The following is an entry in ClinVar:

NM_025137.4(SPG11):c.5865C>G (p.Ser1955Arg)

Gene: SPG11 (SPG11 vesicle trafficking associated, spatacsin; minus strand). Cytogenetic location: 15q21.1.
Variant type: single nucleotide variant.
Coding change: c.5865C>G on transcript NM_025137.4 (MANE Select); coding-DNA position 5865, C replaced by G.
Protein change: p.Ser1955Arg; replaces serine 1955 with arginine.
Molecular consequence: missense variant.
Genome position (GRCh38, 1-based): chr15:44,583,815, G>C on the plus strand (C>G on the coding strand, the complement: SPG11 is on the minus strand). VCF-style: chr15-44583815-G-C. GRCh37 (hg19) VCF-style: chr15-44876013-G-C.
Other names: c.5865C>G, p.Ser1955Arg (NM_001160227.2); c.5721C>G, p.Ser1907Arg (NM_001411132.1); short protein forms S1907R, S1955R.
Identifiers: ClinVar variation 1750162 (VCV001750162.2), dbSNP rs2082701934, ClinGen allele CA392220761.

ClinVar aggregate classification (germline): Uncertain significance (1 of 4 stars; one submission).

Conditions:
Inborn genetic diseases. Identifiers: MedGen C0950123, MeSH D030342.

Submission:

Ambry Genetics
Classification: Uncertain significance for Inborn genetic diseases. Last evaluated: 2020-06-10. Review status: criteria provided, single submitter. Criteria: Ambry Variant Classification Scheme 2023. Collection method: clinical testing. Allele origin: germline.
Comment: The p.S1955R variant (also known as c.5865C>G), located in coding exon 30 of the SPG11 gene, results from a C to G substitution at nucleotide position 5865. The serine at codon 1955 is replaced by arginine, an amino acid with dissimilar properties. This amino acid position is well conserved in available vertebrate species. In addition, the in silico prediction for this alteration is inconclusive. Since supporting evidence is limited at this time, the clinical significance of this alteration remains unclear.